The following is an entry in ClinVar:

ClinVar aggregate classification (germline): Uncertain significance (1 of 4 stars; one submission).

Conditions:
Rhabdoid tumor predisposition syndrome 2 (RTPS2). Identifiers: Orphanet 231108, Orphanet 69077, MedGen C2750074, MONDO:0013224, OMIM 613325.

Submission:

Labcorp Genetics (formerly Invitae), Labcorp
Classification: Uncertain significance for Rhabdoid tumor predisposition syndrome 2. Last evaluated: 2023-08-27. Review status: criteria provided, single submitter. Criteria: Invitae Variant Classification Sherloc (09022015). Collection method: clinical testing. Allele origin: unknown.
Comment: This variant results in a copy number gain of the genomic region encompassing exon(s) 24-36 of the SMARCA4 gene. This region includes the termination codon of the gene. This copy number gain extends beyond the assayed region for this gene and therefore may encompass additional genes. As the precise location of this event is unknown, it may be in tandem or it may be located elsewhere in the genome. This variant has not been reported in the literature in individuals affected with SMARCA4-related conditions. Experimental studies and prediction algorithms are not available or were not evaluated, and the functional significance of this variant is currently unknown. In summary, the available evidence is currently insufficient to determine the role of this variant in disease. Therefore, it has been classified as a Variant of Uncertain Significance.

NC_000019.9:g.(?_11138450)_(11172492_?)dup

Gene: SMARCA4 (SWI/SNF related BAF chromatin remodeling complex subunit ATPase 4; plus strand). Cytogenetic location: 19p13.2.
Variant type: Duplication.
Identifiers: ClinVar variation 3248482 (VCV003248482.1).